The following is an entry in ClinVar:

ClinVar aggregate classification (germline): Uncertain significance (1 of 4 stars; one submission).

Allele frequency attached by ClinVar (database versions not stated): gnomAD exomes 0.00001.
gnomAD v4.1: 12 of 1,613,930 alleles (0.00074%); highest among the groups gnomAD compares: Non-Finnish European, 0.001%; no homozygotes.

Submission:

Labcorp Genetics (formerly Invitae), Labcorp
Classification: Uncertain significance. Last evaluated: 2022-08-16. Review status: criteria provided, single submitter. Criteria: Invitae Variant Classification Sherloc (09022015). Collection method: clinical testing. Allele origin: germline.
Comment: In summary, the available evidence is currently insufficient to determine the role of this variant in disease. Therefore, it has been classified as a Variant of Uncertain Significance. Algorithms developed to predict the effect of missense changes on protein structure and function are either unavailable or do not agree on the potential impact of this missense change (SIFT: "Deleterious"; PolyPhen-2: "Possibly Damaging"; Align-GVGD: "Class C0"). This variant has not been reported in the literature in individuals affected with NFKB1-related conditions. This variant is not present in population databases (gnomAD no frequency). This sequence change replaces valine, which is neutral and non-polar, with methionine, which is neutral and non-polar, at codon 748 of the NFKB1 protein (p.Val748Met).

NM_003998.4(NFKB1):c.2242G>A (p.Val748Met)

Gene: NFKB1 (nuclear factor kappa B subunit 1; plus strand). Cytogenetic location: 4q24.
Variant type: single nucleotide variant.
Coding change: c.2242G>A on transcript NM_003998.4 (MANE Select); coding-DNA position 2242, G replaced by A.
Protein change: p.Val748Met; replaces valine 748 with methionine.
Molecular consequence: missense variant.
Genome position (GRCh38, 1-based): chr4:102,610,589, G>A. VCF-style: chr4-102610589-G-A. GRCh37 (hg19) VCF-style: chr4-103531746-G-A.
Other names: c.2239G>A, p.Val747Met (NM_001165412.2, NM_001319226.2, NM_001382627.1); c.2242G>A, p.Val748Met (NM_001382625.1, NM_001382626.1); c.2200G>A, p.Val734Met (NM_001382628.1); short protein forms V734M, V747M, V748M.
Identifiers: ClinVar variation 1968565 (VCV001968565.5), dbSNP rs2476562095, ClinGen allele CA357753605.